The following is an entry in ClinVar:

NM_001039348.3(EFEMP1):c.1172A>C (p.Gln391Pro)

Gene: EFEMP1 (EGF-like fibulin extracellular matrix protein 1; minus strand). Cytogenetic location: 2p16.1.
Variant type: single nucleotide variant.
Coding change: c.1172A>C on transcript NM_001039348.3 (MANE Select); coding-DNA position 1172, A replaced by C.
Protein change: p.Gln391Pro; replaces glutamine 391 with proline.
Molecular consequence: missense variant.
Genome position (GRCh38, 1-based): chr2:55,870,868, T>G on the plus strand (A>C on the coding strand, the complement: EFEMP1 is on the minus strand). VCF-style: chr2-55870868-T-G. GRCh37 (hg19) VCF-style: chr2-56098003-T-G.
Other names: c.1172A>C, p.Gln391Pro (NM_001039349.3); short protein forms Q391P.
Identifiers: ClinVar variation 1363076 (VCV001363076.6), dbSNP rs2104369244, ClinGen allele CA347028136.
Genomic context (GRCh38, chr2:55,870,868, plus strand): 5'-AAGATGTCTGATGGCACAGACCTATCAGATCGGATGCTCATGTATTTGTAGACTATTGAC[T>G]GGGGCAGTTCTCGGCACATGGCATTTGAGACTGGGCAAACACATCGGCTGCAGAGACAAA-3'
Protein context (NP_001034437.1, residues 381-401): VSNAMCRELP[Gln391Pro]SIVYKYMSIR

ClinVar aggregate classification (germline): Uncertain significance (1 of 4 stars; one submission).

Submission:

Labcorp Genetics (formerly Invitae), Labcorp
Classification: Uncertain significance. Last evaluated: 2021-11-02. Review status: criteria provided, single submitter. Criteria: Invitae Variant Classification Sherloc (09022015). Collection method: clinical testing. Allele origin: germline.
Comment: In summary, the available evidence is currently insufficient to determine the role of this variant in disease. Therefore, it has been classified as a Variant of Uncertain Significance. Algorithms developed to predict the effect of missense changes on protein structure and function are either unavailable or do not agree on the potential impact of this missense change (SIFT: "Deleterious"; PolyPhen-2: "Benign"; Align-GVGD: "Class C0"). This variant has not been reported in the literature in individuals affected with EFEMP1-related conditions. This variant is not present in population databases (gnomAD no frequency). This sequence change replaces glutamine, which is neutral and polar, with proline, which is neutral and non-polar, at codon 391 of the EFEMP1 protein (p.Gln391Pro).